The following is an entry in ClinVar:

ClinVar aggregate classification (germline): Uncertain significance (1 of 4 stars; one submission).

Submission:

Labcorp Genetics (formerly Invitae), Labcorp
Classification: Uncertain significance. Last evaluated: 2025-07-09. Review status: criteria provided, single submitter. Criteria: Invitae Variant Classification Sherloc (09022015). Collection method: clinical testing. Allele origin: germline.
Comment: This sequence change affects a splice site in intron 25 of the GUCY2C gene. It is expected to disrupt RNA splicing. Variants that disrupt the donor or acceptor splice site typically lead to a loss of protein function (PMID: 16199547), however the current clinical and genetic evidence is not sufficient to establish whether loss-of-function variants in GUCY2C cause disease. This variant is not present in population databases (gnomAD no frequency). This variant has not been reported in the literature in individuals affected with GUCY2C-related conditions. ClinVar contains an entry for this variant (Variation ID: 1447419). Algorithms developed to predict the effect of sequence changes on RNA splicing suggest that this variant may disrupt the consensus splice site. In summary, the available evidence is currently insufficient to determine the role of this variant in disease. Therefore, it has been classified as a Variant of Uncertain Significance.

Literature cited by the submitters: PubMed 16199547.

NM_004963.4(GUCY2C):c.2970+2_2970+6del

Genes: GUCY2C (guanylate cyclase 2C; minus strand), PLBD1-AS1 (PLBD1 antisense RNA 1; plus strand). Cytogenetic location: 12p12.3.
Variant type: Deletion.
Coding change: c.2970+2_2970+6del on transcript NM_004963.4 (MANE Select); the canonical splice donor site of the intron after coding-DNA position 2970 through 6 bases into the intron after coding-DNA position 2970, 5 bases deleted (TAAGG; older notation c.2970+2_2970+6delTAAGG).
Molecular consequence: splice donor variant.
Genome position (GRCh38, 1-based): chr12:14,616,627-14,616,631, CCTTA deleted on the plus strand (TAAGG on the coding strand, the reverse complement: GUCY2C is on the minus strand); deleting any 5 consecutive bases within chr12:14,616,627-14,616,635 gives the same sequence; the c. name uses the placement nearest the transcript's 3' end. VCF-style (leftmost placement, unchanged base first): chr12-14616626-TCCTTA-T. GRCh37 (hg19) VCF-style: chr12-14769560-TCCTTA-T.
Identifiers: ClinVar variation 1447419 (VCV001447419.7), dbSNP rs1946768337, ClinGen allele CA945021570.
Genomic context (GRCh38, chr12:14,616,626, plus strand): 5'-TCTCAAAGGAGGTGGCCCAAGCGTGTCTGAGAGCTTTTCCTATGCATTGTCTCTGTGGAC[TCCTTA>T]CCTTTAAGTATGTTTCTCCTCTCACTTCATAAAGGAACTGGCACTCAGTTCTCTTCAGGA-3'